The following is an entry in ClinVar:

ClinVar aggregate classification (germline): Likely benign (0 of 4 stars; one submission).

Conditions:
PCNT-related disorder. Also called: PCNT-related condition.

gnomAD v4.1: 3 of 1,611,222 alleles (0.00019%); highest among the groups gnomAD compares: African/African-American, 0.004%; no homozygotes.

Submission:

PreventionGenetics, part of Exact Sciences
Classification: Likely benign for PCNT-related condition. Last evaluated: 2024-05-12. Review status: no assertion criteria provided. Collection method: clinical testing. Allele origin: germline.
Comment: This variant is classified as likely benign based on ACMG/AMP sequence variant interpretation guidelines (Richards et al. 2015 PMID: 25741868, with internal and published modifications).

NM_006031.6(PCNT):c.6111G>T (p.Val2037=)

Gene: PCNT (pericentrin; plus strand). Cytogenetic location: 21q22.3.
Variant type: single nucleotide variant.
Coding change: c.6111G>T on transcript NM_006031.6 (MANE Select); coding-DNA position 6111, G replaced by T.
Protein change: p.Val2037=; no amino-acid change (valine 2037 retained).
Molecular consequence: synonymous variant.
Genome position (GRCh38, 1-based): chr21:46,412,953, G>T. VCF-style: chr21-46412953-G-T. GRCh37 (hg19) VCF-style: chr21-47832867-G-T.
Other names: c.5757G>T, p.Val1919= (NM_001315529.2).
Identifiers: ClinVar variation 3356270 (VCV003356270.1).